The following is an entry in ClinVar:

ClinVar aggregate classification (germline): Uncertain significance. Review status: criteria provided, multiple submitters, no conflicts (2 of 4 stars). 2 submissions from 2 submitters: Uncertain significance (2). Last evaluated 2025-07-03.

Conditions:
Cardiovascular phenotype. Identifiers: MedGen CN230736.
Hypertrophic cardiomyopathy. Also called: HYPERTROPHIC MYOCARDIOPATHY. Identifiers: Orphanet 217569, MedGen C0007194, MeSH D002312, MONDO:0005045, HP:0001639.

Submissions (2):

Ambry Genetics
Classification: Uncertain significance for Cardiovascular phenotype. Last evaluated: 2025-07-03. Review status: criteria provided, single submitter. Criteria: Ambry Variant Classification Scheme 2023. Collection method: clinical testing. Allele origin: germline.
Comment: The p.A419S variant (also known as c.1255G>T), located in coding exon 3 of the JPH2 gene, results from a G to T substitution at nucleotide position 1255. The alanine at codon 419 is replaced by serine, an amino acid with similar properties. This amino acid position is conserved. In addition, the in silico prediction for this alteration is inconclusive. Based on the available evidence, the clinical significance of this variant remains unclear.

Labcorp Genetics (formerly Invitae), Labcorp
Classification: Uncertain significance for Hypertrophic cardiomyopathy. Last evaluated: 2024-03-07. Review status: criteria provided, single submitter. Criteria: Invitae Variant Classification Sherloc (09022015). Collection method: clinical testing. Allele origin: germline.
Comment: This sequence change replaces alanine, which is neutral and non-polar, with serine, which is neutral and polar, at codon 419 of the JPH2 protein (p.Ala419Ser). This variant is not present in population databases (gnomAD no frequency). This variant has not been reported in the literature in individuals affected with JPH2-related conditions. An algorithm developed to predict the effect of missense changes on protein structure and function (PolyPhen-2) suggests that this variant is likely to be disruptive. In summary, the available evidence is currently insufficient to determine the role of this variant in disease. Therefore, it has been classified as a Variant of Uncertain Significance.

NM_020433.5(JPH2):c.1255G>T (p.Ala419Ser)

Gene: JPH2 (junctophilin 2; minus strand). Cytogenetic location: 20q13.12.
Variant type: single nucleotide variant.
Coding change: c.1255G>T on transcript NM_020433.5 (MANE Select); coding-DNA position 1255, G replaced by T.
Protein change: p.Ala419Ser; replaces alanine 419 with serine.
Molecular consequence: missense variant.
Genome position (GRCh38, 1-based): chr20:44,118,538, C>A on the plus strand (G>T on the coding strand, the complement: JPH2 is on the minus strand). VCF-style: chr20-44118538-C-A. GRCh37 (hg19) VCF-style: chr20-42747178-C-A.
Other names: short protein forms A419S.
Identifiers: ClinVar variation 3644868 (VCV003644868.3).